The following is an entry in ClinVar:

NM_000136.3(FANCC):c.1323G>T (p.Gln441His)

Genes: FANCC (FA complementation group C; minus strand), AOPEP (aminopeptidase O (putative); plus strand). Cytogenetic location: 9q22.32.
Variant type: single nucleotide variant.
Coding change: c.1323G>T on transcript NM_000136.3 (MANE Select); coding-DNA position 1323, G replaced by T.
Protein change: p.Gln441His; replaces glutamine 441 with histidine.
Molecular consequence: missense variant.
Genome position (GRCh38, 1-based): chr9:95,111,469, C>A on the plus strand (G>T on the coding strand, the complement: FANCC is on the minus strand). VCF-style: chr9-95111469-C-A. GRCh37 (hg19) VCF-style: chr9-97873751-C-A.
Other names: c.1323G>T, p.Gln441His (NM_001243743.2, NM_001243744.2); short protein forms Q441H.
Identifiers: ClinVar variation 3848324 (VCV003848324.1).

ClinVar aggregate classification (germline): Uncertain significance (1 of 4 stars; one submission).

Conditions:
Hereditary cancer-predisposing syndrome. Also called: Hereditary neoplastic syndrome; Neoplastic Syndromes, Hereditary; Tumor predisposition; Hereditary Cancer Syndrome. Identifiers: Orphanet 140162, MedGen C0027672, MeSH D009386, MONDO:0015356.

Submission:

Ambry Genetics
Classification: Uncertain significance for Hereditary cancer-predisposing syndrome. Last evaluated: 2024-12-12. Review status: criteria provided, single submitter. Criteria: Ambry Variant Classification Scheme 2023. Collection method: clinical testing. Allele origin: germline.
Comment: The p.Q441H variant (also known as c.1323G>T), located in coding exon 12 of the FANCC gene, results from a G to T substitution at nucleotide position 1323. The glutamine at codon 441 is replaced by histidine, an amino acid with highly similar properties. This amino acid position is conserved. In addition, this alteration is predicted to be tolerated by in silico analysis. Based on the available evidence, the clinical significance of this variant remains unclear.